The following is an entry in ClinVar:

ClinVar aggregate classification (germline): Pathogenic (1 of 4 stars; one submission).

Conditions:
Parathyroid carcinoma (PRTC). Also called: CDC73-Related Parathyroid Carcinoma; Parathyroid gland carcinoma. Identifiers: Orphanet 143, MedGen C0687150, MONDO:0012004, OMIM 608266, HP:0006780.

Submission:

Labcorp Genetics (formerly Invitae), Labcorp
Classification: Pathogenic for Parathyroid carcinoma. Last evaluated: 2020-09-02. Review status: criteria provided, single submitter. Criteria: Invitae Variant Classification Sherloc (09022015). Collection method: clinical testing. Allele origin: germline.
Comment: This variant is an out-of-frame deletion of the genomic region encompassing exon(s) 14-15 of the CDC73 gene. This is expected to create a premature translational stop signal and result in an absent or disrupted protein product. For these reasons, this variant has been classified as Pathogenic. Loss-of-function variants in CDC73 are known to be pathogenic (PMID: 12434154). This variant has not been reported in the literature in individuals with CDC73-related conditions.

Literature cited by the submitters: PubMed 12434154.

NC_000001.10:g.(?_193202113)_(193205496_?)del

Gene: CDC73 (cell division cycle 73; plus strand). Cytogenetic location: 1q31.2.
Variant type: Deletion.
Identifiers: ClinVar variation 1069684 (VCV001069684.3).